The following is an entry in ClinVar:

ClinVar aggregate classification (germline): Benign/Likely benign. Review status: criteria provided, multiple submitters, no conflicts (2 of 4 stars). 4 submissions from 4 submitters: Benign (1); Likely benign (3). Last evaluated 2024-04-29.

Conditions:
Hereditary cancer-predisposing syndrome. Also called: Tumor predisposition; Neoplastic Syndromes, Hereditary; Hereditary Cancer Syndrome; Hereditary neoplastic syndrome. Identifiers: Orphanet 140162, MedGen C0027672, MeSH D009386, MONDO:0015356.
Familial cancer of breast. Also called: BREAST CANCER, FAMILIAL; hereditary breast carcinoma; Hereditary breast cancer. Identifiers: Orphanet 227535, MedGen C0346153, MONDO:0016419, OMIM 114480. Disease mechanism: loss of function.
Ataxia-telangiectasia syndrome (AT). Also called: Ataxia-telangiectasia; Ataxia-telangiectasia, complementation group D; AT, COMPLEMENTATION GROUP C; LOUIS-BAR SYNDROME; Cerebello-oculocutaneous telangiectasia; Immunodeficiency with ataxia telangiectasia. Identifiers: Orphanet 100, MedGen C0004135, MONDO:0008840, OMIM 208900.

Allele frequency attached by ClinVar (database versions not stated): gnomAD exomes below 0.00001 and 0.00001; TOPMed 0.00001; ExAC 0.00002.
gnomAD v4.1: 2 of 1,614,138 alleles (0.00012%); highest among the groups gnomAD compares: Non-Finnish European, 0.00017%; no homozygotes.

Submissions (4):

Myriad Genetics, Inc.
Classification: Benign for Familial cancer of breast. Last evaluated: 2024-04-29. Review status: criteria provided, single submitter. Criteria: Myriad Autosomal Dominant, Autosomal Recessive and X-Linked Classification Criteria (2023). Collection method: clinical testing. Allele origin: unknown.
Comment: This variant is considered benign. This variant is a silent/synonymous amino acid change and it is not expected to impact splicing.

Labcorp Genetics (formerly Invitae), Labcorp
Classification: Likely benign for Ataxia-telangiectasia syndrome. Last evaluated: 2023-08-05. Review status: criteria provided, single submitter. Criteria: Invitae Variant Classification Sherloc (09022015). Collection method: clinical testing. Allele origin: germline.

Ambry Genetics
Classification: Likely benign for Hereditary cancer-predisposing syndrome. Last evaluated: 2020-08-17. Review status: criteria provided, single submitter. Criteria: Ambry Variant Classification Scheme 2023. Collection method: clinical testing. Allele origin: germline.

Color Diagnostics, LLC DBA Color Health
Classification: Likely benign for Hereditary cancer-predisposing syndrome. Last evaluated: 2017-10-02. Review status: criteria provided, single submitter. Criteria: ACMG Guidelines, 2015. Collection method: clinical testing. Allele origin: germline.

NM_000051.4(ATM):c.1575G>A (p.Lys525=)

Gene: ATM (ATM serine/threonine kinase; plus strand). Cytogenetic location: 11q22.3.
Variant type: single nucleotide variant.
Coding change: c.1575G>A on transcript NM_000051.4 (MANE Select); coding-DNA position 1575, G replaced by A.
Protein change: p.Lys525=; no amino-acid change (lysine 525 retained).
Molecular consequence: synonymous variant.
Genome position (GRCh38, 1-based): chr11:108,251,040, G>A. VCF-style: chr11-108251040-G-A. GRCh37 (hg19) VCF-style: chr11-108121767-G-A.
Other names: c.1575G>A, p.Lys525= (NM_001351834.2).
Identifiers: ClinVar variation 490423 (VCV000490423.15), dbSNP rs587780613, ClinGen allele CA6264828.